The following is an entry in ClinVar:

ClinVar aggregate classification (germline): Uncertain significance (1 of 4 stars; one submission).

Conditions:
Primary ciliary dyskinesia 6. Also called: Primary Ciliary Dyskinesia 6: TXNDC3-Related Primary Ciliary Dyskinesia. Identifiers: Orphanet 244, MedGen C1970506, MONDO:0012571, OMIM 610852.

Allele frequency attached by ClinVar (database versions not stated): gnomAD exomes below 0.00001.
gnomAD v4.1: 2 of 1,613,510 alleles (0.00012%); highest among the groups gnomAD compares: Non-Finnish European, 0.00017%; no homozygotes.

Submission:

Labcorp Genetics (formerly Invitae), Labcorp
Classification: Uncertain significance for Primary ciliary dyskinesia 6. Last evaluated: 2023-04-24. Review status: criteria provided, single submitter. Criteria: Invitae Variant Classification Sherloc (09022015). Collection method: clinical testing. Allele origin: germline.
Comment: In summary, the available evidence is currently insufficient to determine the role of this variant in disease. Therefore, it has been classified as a Variant of Uncertain Significance. This sequence change replaces glutamic acid, which is acidic and polar, with glutamine, which is neutral and polar, at codon 443 of the NME8 protein (p.Glu443Gln). This variant is not present in population databases (gnomAD no frequency). This variant has not been reported in the literature in individuals affected with NME8-related conditions. Advanced modeling of protein sequence and biophysical properties (such as structural, functional, and spatial information, amino acid conservation, physicochemical variation, residue mobility, and thermodynamic stability) performed at Invitae indicates that this missense variant is not expected to disrupt NME8 protein function.

NM_016616.5(NME8):c.1327G>C (p.Glu443Gln)

Gene: NME8 (NME/NM23 family member 8; plus strand). Cytogenetic location: 7p14.1.
Variant type: single nucleotide variant.
Coding change: c.1327G>C on transcript NM_016616.5 (MANE Select); coding-DNA position 1327, G replaced by C.
Protein change: p.Glu443Gln; replaces glutamic acid 443 with glutamine.
Molecular consequence: missense variant.
Genome position (GRCh38, 1-based): chr7:37,888,356, G>C. VCF-style: chr7-37888356-G-C. GRCh37 (hg19) VCF-style: chr7-37927958-G-C.
Other names: short protein forms E443Q.
Identifiers: ClinVar variation 2858808 (VCV002858808.3), dbSNP rs2483663753, ClinGen allele CA367216316.